The following is an entry in ClinVar:

NM_001283009.2(RTEL1):c.904G>A (p.Asp302Asn)

Genes: RTEL1 (regulator of telomere elongation helicase 1; plus strand), RTEL1-TNFRSF6B (RTEL1-TNFRSF6B readthrough (NMD candidate); plus strand). Cytogenetic location: 20q13.33.
Variant type: single nucleotide variant.
Coding change: c.904G>A on transcript NM_001283009.2 (MANE Select); coding-DNA position 904, G replaced by A.
Protein change: p.Asp302Asn; replaces aspartic acid 302 with asparagine.
Molecular consequence: missense variant. On other transcripts: non-coding transcript variant (1).
Genome position (GRCh38, 1-based): chr20:63,674,078, G>A. VCF-style: chr20-63674078-G-A. GRCh37 (hg19) VCF-style: chr20-62305431-G-A.
Other names: c.235G>A, p.Asp79Asn (NM_001283010.1); c.904G>A, p.Asp302Asn (NM_016434.4); c.976G>A, p.Asp326Asn (NM_032957.5); short protein forms D302N, D326N, D79N.
Identifiers: ClinVar variation 3756129 (VCV003756129.2).

ClinVar aggregate classification (germline): Uncertain significance (1 of 4 stars; one submission).

Conditions:
Pulmonary fibrosis and/or bone marrow failure, Telomere-related, 3. Also called: PULMONARY FIBROSIS AND/OR BONE MARROW FAILURE SYNDROME, TELOMERE-RELATED, 3. Identifiers: Orphanet 2032, MedGen C4225346, MONDO:0014613, OMIM 616373.
Dyskeratosis congenita, autosomal recessive 5 (DKCB5). Identifiers: MedGen C3554656, MONDO:0014076, OMIM 615190.

Submission:

Labcorp Genetics (formerly Invitae), Labcorp
Classification: Uncertain significance for Dyskeratosis congenita, autosomal recessive 5; Pulmonary fibrosis and/or bone marrow failure, Telomere-related, 3. Last evaluated: 2024-05-01. Review status: criteria provided, single submitter. Criteria: Invitae Variant Classification Sherloc (09022015). Collection method: clinical testing. Allele origin: germline.
Comment: This sequence change replaces aspartic acid, which is acidic and polar, with asparagine, which is neutral and polar, at codon 302 of the RTEL1 protein (p.Asp302Asn). This variant is not present in population databases (gnomAD no frequency). This variant has not been reported in the literature in individuals affected with RTEL1-related conditions. An algorithm developed to predict the effect of missense changes on protein structure and function (PolyPhen-2) suggests that this variant is likely to be tolerated. In summary, the available evidence is currently insufficient to determine the role of this variant in disease. Therefore, it has been classified as a Variant of Uncertain Significance.